The following is an entry in ClinVar:

NM_000238.4(KCNH2):c.523G>A (p.Ala175Thr)

Gene: KCNH2 (potassium voltage-gated channel subfamily H member 2; minus strand). Cytogenetic location: 7q36.1.
Variant type: single nucleotide variant.
Coding change: c.523G>A on transcript NM_000238.4 (MANE Select); coding-DNA position 523, G replaced by A.
Protein change: p.Ala175Thr; replaces alanine 175 with threonine.
Molecular consequence: missense variant.
Genome position (GRCh38, 1-based): chr7:150,958,452, C>T on the plus strand (G>A on the coding strand, the complement: KCNH2 is on the minus strand). VCF-style: chr7-150958452-C-T. GRCh37 (hg19) VCF-style: chr7-150655540-C-T.
Other names: c.235G>A, p.Ala79Thr (NM_001406753.1, NM_001406756.1); c.346G>A, p.Ala116Thr (NM_001406755.1); c.223G>A, p.Ala75Thr (NM_001406757.1); c.523G>A, p.Ala175Thr (NM_172056.3); short protein forms A175T, A75T, A79T, A116T.
Identifiers: ClinVar variation 571170 (VCV000571170.9), dbSNP rs1296505812, ClinGen allele CA369863443.
Genomic context (GRCh38, chr7:150,958,452, plus strand): 5'-CCACGGCCCCCGGGGCGCCCGCGCCGCCCGCGCCGCCCGACCGCACCGACGACTCCCGGG[C>T]CGTCAGCGCCAGCAGCGCGGGCAGCTTCAGGCGGAAGGTCTTGGCGCGGCCTGCGGGAGA-3'
Protein context (NP_000229.1, residues 165-185): LKLPALLALT[Ala175Thr]RESSVRSGGA

ClinVar aggregate classification (germline): Uncertain significance (1 of 4 stars; one submission).

Conditions:
Long QT syndrome (LQTS). Identifiers: MedGen C0023976, MeSH D008133, MONDO:0002442. Disease mechanism: loss of function. Inheritance: Various modes of inheritance.

Allele frequency attached by ClinVar (database versions not stated): TOPMed 0.00001.

Submission:

Labcorp Genetics (formerly Invitae), Labcorp
Classification: Uncertain significance for Long QT syndrome. Last evaluated: 2025-11-05. Review status: criteria provided, single submitter. Criteria: Invitae Variant Classification Sherloc (09022015). Collection method: clinical testing. Allele origin: germline.
Comment: This sequence change replaces alanine, which is neutral and non-polar, with threonine, which is neutral and polar, at codon 175 of the KCNH2 protein (p.Ala175Thr). This variant is not present in population databases (gnomAD no frequency). This variant has not been reported in the literature in individuals affected with KCNH2-related conditions. ClinVar contains an entry for this variant (Variation ID: 571170). An algorithm developed to predict the effect of missense changes on protein structure and function outputs the following: PolyPhen-2: "Benign". The threonine amino acid residue is found in multiple mammalian species, which suggests that this missense change does not adversely affect protein function. In summary, the available evidence is currently insufficient to determine the role of this variant in disease. Therefore, it has been classified as a Variant of Uncertain Significance.